The following is an entry in ClinVar:

ClinVar aggregate classification (germline): Uncertain significance (1 of 4 stars; one submission).

Submission:

GeneDx
Classification: Uncertain significance. Last evaluated: 2019-01-16. Review status: criteria provided, single submitter. Criteria: GeneDx Variant Classification Process June 2021. Collection method: clinical testing. Allele origin: germline. Affected: yes.
Comment: Not observed in large population cohorts (Lek et al., 2016); In silico analysis, which includes protein predictors and evolutionary conservation, supports that this variant does not alter protein structure/function; Has not been previously published as pathogenic or benign to our knowledge

NM_013275.6(ANKRD11):c.6661G>A (p.Val2221Met)

Gene: ANKRD11 (ankyrin repeat domain containing 11; minus strand). Cytogenetic location: 16q24.3.
Variant type: single nucleotide variant.
Coding change: c.6661G>A on transcript NM_013275.6 (MANE Select); coding-DNA position 6661, G replaced by A.
Protein change: p.Val2221Met; replaces valine 2221 with methionine.
Molecular consequence: missense variant.
Genome position (GRCh38, 1-based): chr16:89,279,881, C>T on the plus strand (G>A on the coding strand, the complement: ANKRD11 is on the minus strand). VCF-style: chr16-89279881-C-T. GRCh37 (hg19) VCF-style: chr16-89346289-C-T.
Other names: c.6661G>A, p.Val2221Met (NM_001256182.2, NM_001256183.2); short protein forms V2221M.
Identifiers: ClinVar variation 1304487 (VCV001304487.2), dbSNP rs1437234736, ClinGen allele CA397150272.
Genomic context (GRCh38, chr16:89,279,881, plus strand): 5'-GCTCCACGCTGGAGTCCGGATCCCCACGGGCCCTCTCTTCCGGCACCGTCTCCGCCTCCA[C>T]CGCAGCTTCTAGAGCCACGTCCAGCTTTGGCTCCCCTGAGGGCTCAGGCTCGAGCTCTGC-3'
Protein context (NP_037407.4, residues 2211-2231): PKLDVALEAA[Val2221Met]EAETVPEERA